The following is an entry in ClinVar:

ClinVar aggregate classification (germline): Uncertain significance (1 of 4 stars; one submission).

Conditions:
Inborn genetic diseases. Identifiers: MedGen C0950123, MeSH D030342.

Submission:

Ambry Genetics
Classification: Uncertain significance for Inborn genetic diseases. Last evaluated: 2023-12-04. Review status: criteria provided, single submitter. Criteria: Ambry Variant Classification Scheme 2023. Collection method: clinical testing. Allele origin: germline.
Comment: The p.M98V variant (also known as c.292A>G), located in coding exon 4 of the BUB1B gene, results from an A to G substitution at nucleotide position 292. The methionine at codon 98 is replaced by valine, an amino acid with highly similar properties. This amino acid position is conserved. In addition, this alteration is predicted to be tolerated by in silico analysis. Since supporting evidence is limited at this time, the clinical significance of this alteration remains unclear.

NM_001211.6(BUB1B):c.292A>G (p.Met98Val)

Gene: BUB1B (BUB1 mitotic checkpoint serine/threonine kinase B; plus strand). Cytogenetic location: 15q15.1.
Variant type: single nucleotide variant.
Coding change: c.292A>G on transcript NM_001211.6 (MANE Select); coding-DNA position 292, A replaced by G.
Protein change: p.Met98Val; replaces methionine 98 with valine.
Molecular consequence: missense variant.
Genome position (GRCh38, 1-based): chr15:40,170,589, A>G. VCF-style: chr15-40170589-A-G. GRCh37 (hg19) VCF-style: chr15-40462790-A-G.
Other names: short protein forms M98V.
Identifiers: ClinVar variation 3221413 (VCV003221413.1), dbSNP rs2542516780, ClinGen allele CA391679078.